The following is an entry in ClinVar:

NM_007294.4(BRCA1):c.4986+1G>T

Gene: BRCA1 (BRCA1 DNA repair associated; minus strand). Cytogenetic location: 17q21.31.
Variant type: single nucleotide variant.
Coding change: c.4986+1G>T on transcript NM_007294.4 (MANE Select); the canonical splice donor site of the intron after coding-DNA position 4986, G replaced by T.
Molecular consequence: splice donor variant. On other transcripts: intron variant (1).
Genome position (GRCh38, 1-based): chr17:43,070,927, C>A on the plus strand (G>T on the coding strand, the complement: BRCA1 is on the minus strand). VCF-style: chr17-43070927-C-A. GRCh37 (hg19) VCF-style: chr17-41222944-C-A.
Other names: IVS16+1G>T; c.1671+1G>T (NM_001408403.1, NM_001408398.1, NM_001408400.1 and 8 more transcripts); c.1674+1G>T (NM_001407983.1, NM_001407992.1, NM_001407981.1 and 12 more transcripts); c.1677+1G>T (NM_001407975.1, NM_001407978.1, NM_001407977.1 and 3 more transcripts); c.1743+1G>T (NM_001407971.1, NM_001407970.1); c.1668+1G>T (NM_001408406.1, NM_001408408.1, NM_001408407.1); c.4980+1G>T (NM_001407641.1, NM_001407629.1, NM_001407636.1 and 14 more transcripts); c.4983+1G>T (NM_001407624.1, NM_001407858.1, NM_001407616.1 and 17 more transcripts); and 72 more.
Identifiers: ClinVar variation 37618 (VCV000037618.16), dbSNP rs80358162, ClinGen allele CA003119.
Genomic context (GRCh38, chr17:43,070,927, plus strand): 5'-AACTCTTTCCAGAATGTTGTTAAGTCTTAGTCATTAGGGAGATACATATGGATACACTCA[C>A]AAATTCTTCTGGGGTCAGGCCAGACACCACCATGGACATTCTTTTGTTGACCCTTTCTGT-3'

ClinVar aggregate classification (germline): Pathogenic. Review status: criteria provided, multiple submitters, no conflicts (2 of 4 stars). 5 submissions from 5 submitters: Pathogenic (4). 1 of the submissions does not count toward it. Last evaluated 2024-08-21.

Conditions:
Hereditary breast ovarian cancer syndrome. Also called: Hereditary breast and ovarian cancer syndrome (HBOC); Hereditary breast and ovarian cancer syndrome; Hereditary breast and ovarian cancer; Hereditary breast and/or ovarian cancer syndrome; Breast and ovarian cancer; BRCA1- and BRCA2-Associated Hereditary Breast and Ovarian Cancer. Identifiers: Orphanet 145, MedGen C0677776, MeSH D061325, MONDO:0003582. Disease mechanism: loss of function.
Breast-ovarian cancer, familial, susceptibility to, 1 (BROVCA1). Also called: OVARIAN CANCER, SUSCEPTIBILITY TO; BRCA1 Hereditary Breast and Ovarian Cancer. Identifiers: Orphanet 145, MedGen C2676676, MONDO:0011450, OMIM 604370. Disease mechanism: loss of function.

Submissions (6):

Labcorp Genetics (formerly Invitae), Labcorp
Classification: Pathogenic for Hereditary breast ovarian cancer syndrome. Last evaluated: 2024-08-21. Review status: criteria provided, single submitter. Criteria: Invitae Variant Classification Sherloc (09022015). Collection method: clinical testing. Allele origin: germline.
Comment: This sequence change affects a donor splice site in intron 15 of the BRCA1 gene. RNA analysis indicates that disruption of this splice site induces altered splicing and may result in an absent or altered protein product. This variant is not present in population databases (gnomAD no frequency). Disruption of this splice site has been observed in individual(s) with or undergoing testing for hereditary breast and/or ovarian cancer (PMID: 22798144, 28176296, 29339979, 29446198). ClinVar contains an entry for this variant (Variation ID: 37618). Algorithms developed to predict the effect of variants on gene product structure and function are not available or were not evaluated for this variant. Experimental studies have shown that disruption of this splice site affects BRCA1 function (PMID: 30209399). Studies have shown that disruption of this splice site results in partial inclusion of intron 15, and produces a non-functional protein and/or introduces a premature termination codon (PMID: 23451180). For these reasons, this variant has been classified as Pathogenic.

Quest Diagnostics Nichols Institute San Juan Capistrano
Classification: Pathogenic. Last evaluated: 2022-11-11. Review status: criteria provided, single submitter. Criteria: Quest Diagnostics criteria. Collection method: clinical testing. Allele origin: unknown.
Comment: This variant disrupts a canonical splice-donor site and interferes with normal BRCA1 mRNA splicing. This variant has not been reported in large, multi-ethnic general populations. In the published literature, the variant has been reported in individuals with hereditary breast and/or ovarian cancer (PMIDs: 22798144 (2012), 28176296 (2017), and 30702160 (2019)), as well as individuals with an increased risk for breast and/or ovarian cancer (PMIDs: 29339979 (2018) and 29446198 (2018)). Studies on the variant's splicing impact show the loss of a natural donor site with only partial retention of intron 16 compared to typical BRCA1 splicing (PMID: 23451180 (2013)). Based on the available information, this variant is classified as pathogenic.

Consortium of Investigators of Modifiers of BRCA1/2 (CIMBA), c/o University of Cambridge
Classification: Pathogenic for Breast-ovarian cancer, familial, susceptibility to, 1. Last evaluated: 2015-10-02. Review status: criteria provided, single submitter. Criteria: CIMBA Mutation Classification guidelines May 2016. Collection method: clinical testing. Allele origin: germline.

Department of Medical Genetics, Oslo University Hospital
Classification: Pathogenic for Breast-ovarian cancer, familial, susceptibility to, 1. Last evaluated: 2015-07-01. Review status: criteria provided, single submitter. Criteria: ACMG Guidelines, 2015. Collection method: clinical testing. Allele origin: germline. Affected: yes. Observed: 2 variant alleles.

Sharing Clinical Reports Project (SCRP)
Classification: Pathogenic for Breast-ovarian cancer, familial 1. Last evaluated: 2010-01-22. Review status: no assertion criteria provided. Collection method: clinical testing. Allele origin: germline. Not counted in ClinVar's aggregate classification.

Brotman Baty Institute, University of Washington
No classification provided (evidence only). Condition: Breast-ovarian cancer, familial 1. Review status: no classification provided. Collection method: in vitro. Allele origin: not applicable. Functional consequence: functionally_abnormal. Not counted in ClinVar's aggregate classification.
ClinVar note: "not provided" was previously submitted as the classification for the variant. However, the classification appeared to be based only on an observation of functional data so it was converted to no classification on 2025-07-30.

Literature cited by the submitters: PubMed 22798144 (cited by Labcorp Genetics (formerly Invitae), Labcorp and Quest Diagnostics Nichols Institute San Juan Capistrano); PubMed 28176296 (cited by Labcorp Genetics (formerly Invitae), Labcorp and Quest Diagnostics Nichols Institute San Juan Capistrano); PubMed 29339979 (cited by Labcorp Genetics (formerly Invitae), Labcorp and Quest Diagnostics Nichols Institute San Juan Capistrano); PubMed 29446198 (cited by Labcorp Genetics (formerly Invitae), Labcorp and Quest Diagnostics Nichols Institute San Juan Capistrano); PubMed 30209399 (cited by Labcorp Genetics (formerly Invitae), Labcorp and Quest Diagnostics Nichols Institute San Juan Capistrano); PubMed 23451180 (cited by Labcorp Genetics (formerly Invitae), Labcorp and Quest Diagnostics Nichols Institute San Juan Capistrano); PubMed 30702160 (cited by Quest Diagnostics Nichols Institute San Juan Capistrano); PubMed 31825140 (cited by Quest Diagnostics Nichols Institute San Juan Capistrano).